The following is an entry in ClinVar:

NM_001369369.1(FOXN1):c.1781C>G (p.Ala594Gly)

Gene: FOXN1 (forkhead box N1; plus strand). Cytogenetic location: 17q11.2.
Variant type: single nucleotide variant.
Coding change: c.1781C>G on transcript NM_001369369.1 (MANE Select); coding-DNA position 1781, C replaced by G.
Protein change: p.Ala594Gly; replaces alanine 594 with glycine.
Molecular consequence: missense variant.
Genome position (GRCh38, 1-based): chr17:28,537,270, C>G. VCF-style: chr17-28537270-C-G. GRCh37 (hg19) VCF-style: chr17-26864288-C-G.
Other names: c.1781C>G, p.Ala594Gly (NM_003593.3); short protein forms A594G.
Identifiers: ClinVar variation 4804785 (VCV004804785.1).

ClinVar aggregate classification (germline): Uncertain significance (1 of 4 stars; one submission).

Conditions:
T-cell immunodeficiency, congenital alopecia, and nail dystrophy. Also called: Congenital alopecia and nail dystrophy associated with severe functional T-cell immunodeficiency; Pignata Guarino syndrome. Identifiers: Orphanet 169095, MedGen C1866426, MONDO:0011132, OMIM 601705.

gnomAD v4.1: 1 of 1,614,052 alleles (0.000062%); highest among the groups gnomAD compares: Non-Finnish European, 0.000085%; no homozygotes.

Submission:

Labcorp Genetics (formerly Invitae), Labcorp
Classification: Uncertain significance for T-cell immunodeficiency, congenital alopecia, and nail dystrophy. Last evaluated: 2025-04-11. Review status: criteria provided, single submitter. Criteria: Invitae Variant Classification Sherloc (09022015). Collection method: clinical testing. Allele origin: germline.
Comment: This sequence change replaces alanine, which is neutral and non-polar, with glycine, which is neutral and non-polar, at codon 594 of the FOXN1 protein (p.Ala594Gly). This variant is present in population databases (rs775338114, gnomAD 0.0009%). This variant has not been reported in the literature in individuals affected with FOXN1-related conditions. Invitae Evidence Modeling of protein sequence and biophysical properties (such as structural, functional, and spatial information, amino acid conservation, physicochemical variation, residue mobility, and thermodynamic stability) indicates that this missense variant is not expected to disrupt FOXN1 protein function with a negative predictive value of 80%. In summary, the available evidence is currently insufficient to determine the role of this variant in disease. Therefore, it has been classified as a Variant of Uncertain Significance.